The following is an entry in ClinVar:

NM_001042492.3(NF1):c.7392T>C (p.Thr2464=)

Gene: NF1 (neurofibromin 1; plus strand). Cytogenetic location: 17q11.2.
Variant type: single nucleotide variant.
Coding change: c.7392T>C on transcript NM_001042492.3 (MANE Select); coding-DNA position 7392, T replaced by C.
Protein change: p.Thr2464=; no amino-acid change (threonine 2464 retained).
Molecular consequence: synonymous variant.
Genome position (GRCh38, 1-based): chr17:31,350,253, T>C. VCF-style: chr17-31350253-T-C. GRCh37 (hg19) VCF-style: chr17-29677271-T-C.
Other names: c.7329T>C, p.Thr2443= (NM_000267.4).
Identifiers: ClinVar variation 3612744 (VCV003612744.3).
Genomic context (GRCh38, chr17:31,350,253, plus strand): 5'-AGTGTCTGAAGAAGTTCGAAGTCGCTGCAGCCTAAAACATAGAAAGTCACTTCTTCTTAC[T>C]GATATTTCAATGGAAAATGTTCCTATGGATACATATCCCATTCATCATGGTGACCCTTCC-3'
Protein context (NP_001035957.1, residues 2454-2474): SLKHRKSLLL[Thr2464=]DISMENVPMD

ClinVar aggregate classification (germline): Benign/Likely benign. Review status: criteria provided, multiple submitters, no conflicts (2 of 4 stars). 2 submissions from 2 submitters: Benign (1); Likely benign (1). Last evaluated 2026-05-21.

Conditions:
Neurofibromatosis, type 1 (NF1). Also called: VON RECKLINGHAUSEN DISEASE; Peripheral type neurofibromatosis; NEUROFIBROMATOSIS, TYPE I, SOMATIC; Neurofibromatosis, type I. Identifiers: Orphanet 636, MedGen C0027831, MONDO:0018975, OMIM 162200. Disease mechanism: loss of function.

gnomAD v4.1: 1 of 1,613,592 alleles (0.000062%); highest among the groups gnomAD compares: South Asian, 0.0011%; no homozygotes.

Submissions (2):

Myriad Genetics, Inc.
Classification: Benign for Neurofibromatosis, type 1. Last evaluated: 2026-05-21. Review status: criteria provided, single submitter. Criteria: Myriad Autosomal Dominant, Autosomal Recessive and X-Linked Classification Criteria (2023). Collection method: clinical testing. Allele origin: unknown.
Comment: This variant is considered benign. This variant is a silent/synonymous amino acid change and it is not expected to impact splicing.

Labcorp Genetics (formerly Invitae), Labcorp
Classification: Likely benign for Neurofibromatosis, type 1. Last evaluated: 2024-07-29. Review status: criteria provided, single submitter. Criteria: Invitae Variant Classification Sherloc (09022015). Collection method: clinical testing. Allele origin: germline.